The following is an entry in ClinVar:

NM_004656.4(BAP1):c.1043C>G (p.Pro348Arg)

Gene: BAP1 (BRCA1 associated deubiquitinase 1; minus strand). Cytogenetic location: 3p21.1.
Variant type: single nucleotide variant.
Coding change: c.1043C>G on transcript NM_004656.4 (MANE Select); coding-DNA position 1043, C replaced by G.
Protein change: p.Pro348Arg; replaces proline 348 with arginine.
Molecular consequence: missense variant.
Genome position (GRCh38, 1-based): chr3:52,405,183, G>C on the plus strand (C>G on the coding strand, the complement: BAP1 is on the minus strand). VCF-style: chr3-52405183-G-C. GRCh37 (hg19) VCF-style: chr3-52439199-G-C.
Other names: short protein forms P348R.
Identifiers: ClinVar variation 655427 (VCV000655427.6), dbSNP rs1553645286, ClinGen allele CA353105790.

ClinVar aggregate classification (germline): Uncertain significance (1 of 4 stars; one submission).

Conditions:
BAP1-related tumor predisposition syndrome (TPDS1). Also called: Tumor susceptibility linked to germline BAP1 mutations; BAP1 tumor predisposition syndrome; TUMOR PREDISPOSITION SYNDROME 1; COMMON Syndrome. Identifiers: Orphanet 289539, MedGen C3280492, MONDO:0013692, OMIM 614327.

Submission:

Labcorp Genetics (formerly Invitae), Labcorp
Classification: Uncertain significance for BAP1-related tumor predisposition syndrome. Last evaluated: 2018-07-10. Review status: criteria provided, single submitter. Criteria: Invitae Variant Classification Sherloc (09022015). Collection method: clinical testing. Allele origin: germline.
Comment: In summary, the available evidence is currently insufficient to determine the role of this variant in disease. Therefore, it has been classified as a Variant of Uncertain Significance. Algorithms developed to predict the effect of missense changes on protein structure and function (SIFT, PolyPhen-2, Align-GVGD) all suggest that this variant is likely to be tolerated, but these predictions have not been confirmed by published functional studies and their clinical significance is uncertain. This variant has not been reported in the literature in individuals with BAP1-related disease. This variant is not present in population databases (ExAC no frequency). This sequence change replaces proline with arginine at codon 348 of the BAP1 protein (p.Pro348Arg). The proline residue is moderately conserved and there is a moderate physicochemical difference between proline and arginine.